The following is an entry in ClinVar:

NM_000488.4(SERPINC1):c.1218+27G>C

Gene: SERPINC1 (serpin family C member 1; minus strand). Cytogenetic location: 1q25.1.
Variant type: single nucleotide variant.
Coding change: c.1218+27G>C on transcript NM_000488.4 (MANE Select); 27 bases into the intron after coding-DNA position 1218, G replaced by C.
Molecular consequence: intron variant.
Genome position (GRCh38, 1-based): chr1:173,907,423, C>G on the plus strand (G>C on the coding strand, the complement: SERPINC1 is on the minus strand). VCF-style: chr1-173907423-C-G. GRCh37 (hg19) VCF-style: chr1-173876561-C-G.
Other names: c.1299+27G>C (NM_001386303.1); c.1002+27G>C (NM_001386306.1); c.1197+27G>C (NM_001386304.1); c.1161+27G>C (NM_001386305.1); c.1341+27G>C (NM_001386302.1); c.1074+27G>C (NM_001365052.2).
Identifiers: ClinVar variation 1261351 (VCV001261351.6), dbSNP rs677, ClinGen allele CA1251245.
Genomic context (GRCh38, chr1:173,907,423, plus strand): 5'-AACACTGGAAACAGGCCTTTTCCACGTGTTCCTGCTGTTCATGCATCTCCTTTCTGTACC[C>G]TAAGAGAGTGGGGAAGGTGTACTCACCTCAAGAAATGCCTTATGGAATGCATCTGAGACA-3'

ClinVar aggregate classification (germline): Benign. Review status: reviewed by expert panel (3 of 4 stars). 4 submissions from 4 submitters: Benign (1). 3 of the submissions do not count toward it. Last evaluated 2023-07-25.

Conditions:
Hereditary antithrombin deficiency (AT3D). Also called: Antithrombin III deficiency; Thrombophilia due to antithrombin III deficiency; Reduced antithrombin III activity; Antithrombin deficiency. Identifiers: Orphanet 82, MedGen C0272375, MONDO:0013144, OMIM 613118, HP:0001976.

Allele frequency attached by ClinVar (database versions not stated): ESP Exome Variant Server 0.08788; gnomAD 0.09086 and 0.09620; TOPMed 0.09150; 1000 Genomes Project 30x 0.11134; 1000 Genomes Project 0.11641; ExAC 0.12455; gnomAD exomes 0.12489.
gnomAD v4.1: 184,947 of 1,567,420 alleles (12%); highest among the groups gnomAD compares: East Asian, 23%; 12,135 homozygotes.

Submissions (4):

Clingen Thrombosis Variant Curation Expert Panel, ClinGen
Classification: Benign for Hereditary antithrombin deficiency. Last evaluated: 2023-07-25. Review status: reviewed by expert panel. Criteria: ClinGen ACMG Specifications SERPINC1 V1.0.0. Collection method: curation. Allele origin: germline. Inheritance: Autosomal dominant inheritance.
Comment: The NM_000488.4:c.1218+27G>C variant is reported at an Popmax FAF MAF of 0.2409 (4979/19948 alleles) in the East Asian population in the genomes in gnomAD v2.1.1 with a total of 2550 homozygotes, meeting BA1 criteria of FAF >= 0.002. The variant is not predicted to cause a splicing impact by by SpliceAI and VARSEAK, and the nucleotide is not conserved with a PhyloP score of -1.65 and a PhastCons score of ~0. In summary, this variant meets criteria to be classified as benign. ACMG/AMP criteria applied, as specified by the Thrombosis Variant Curation Expert Panel for SERPINC1: BA1, BP4, BP7.

Genome-Nilou Lab
Classification: Benign for Hereditary antithrombin deficiency. Last evaluated: 2021-07-15. Review status: criteria provided, single submitter. Criteria: ACMG Guidelines, 2015. Collection method: clinical testing. Allele origin: germline. Affected: no. Not counted in ClinVar's aggregate classification.

GeneDx
Classification: Benign. Last evaluated: 2018-11-12. Review status: criteria provided, single submitter. Criteria: GeneDx Variant Classification Process June 2021. Collection method: clinical testing. Allele origin: germline. Affected: yes. Not counted in ClinVar's aggregate classification.

Breakthrough Genomics
Classification: Benign. Review status: criteria provided, single submitter. Criteria: ACMG Guidelines, 2015. Collection method: not provided. Allele origin: germline. Inheritance: Autosomal dominant inheritance. Affected: yes. Not counted in ClinVar's aggregate classification.